The following is an entry in ClinVar:

ClinVar aggregate classification (germline): Uncertain significance (1 of 4 stars; one submission).

Conditions:
Familial cold autoinflammatory syndrome 3 (FCAS3). Also called: FAMILIAL ATYPICAL COLD URTICARIA; ANTIBODY DEFICIENCY AND IMMUNE DYSREGULATION, PLCG2-ASSOCIATED. Identifiers: Orphanet 300359, MedGen C3280914, MONDO:0013766, OMIM 614468.

Submission:

Labcorp Genetics (formerly Invitae), Labcorp
Classification: Uncertain significance for Familial cold autoinflammatory syndrome 3. Last evaluated: 2025-06-03. Review status: criteria provided, single submitter. Criteria: Invitae Variant Classification Sherloc (09022015). Collection method: clinical testing. Allele origin: germline.
Comment: This sequence change replaces lysine, which is basic and polar, with arginine, which is basic and polar, at codon 781 of the PLCG2 protein (p.Lys781Arg). This variant is not present in population databases (gnomAD no frequency). This variant has not been reported in the literature in individuals affected with PLCG2-related conditions. An algorithm developed to predict the effect of missense changes on protein structure and function outputs the following: PolyPhen-2: "Benign". The arginine amino acid residue is found in multiple mammalian species, which suggests that this missense change does not adversely affect protein function. In summary, the available evidence is currently insufficient to determine the role of this variant in disease. Therefore, it has been classified as a Variant of Uncertain Significance.

NM_002661.5(PLCG2):c.2342A>G (p.Lys781Arg)

Gene: PLCG2 (phospholipase C gamma 2; plus strand). Cytogenetic location: 16q23.3.
Variant type: single nucleotide variant.
Coding change: c.2342A>G on transcript NM_002661.5 (MANE Select); coding-DNA position 2342, A replaced by G.
Protein change: p.Lys781Arg; replaces lysine 781 with arginine.
Molecular consequence: missense variant.
Genome position (GRCh38, 1-based): chr16:81,923,519, A>G. VCF-style: chr16-81923519-A-G. GRCh37 (hg19) VCF-style: chr16-81957124-A-G.
Other names: c.2342A>G, p.Lys781Arg (NM_001425749.1, NM_001425750.1, NM_001425751.1); short protein forms K781R.
Identifiers: ClinVar variation 4720660 (VCV004720660.1).